The following is an entry in ClinVar:

ClinVar aggregate classification (germline): Uncertain significance. Review status: criteria provided, multiple submitters, no conflicts (2 of 4 stars). 2 submissions from 2 submitters: Uncertain significance (2). Last evaluated 2025-10-14.

Conditions:
Hereditary sensory and autonomic neuropathy type 7. Also called: HSAN VII; Neuropathy, hereditary sensory and autonomic, type VII. Identifiers: Orphanet 391397, MedGen C3809882, MONDO:0014244, OMIM 615548.
Familial episodic pain syndrome with predominantly lower limb involvement. Also called: Episodic pain syndrome, familial, 3. Identifiers: Orphanet 391384, Orphanet 391392, MedGen C3809899, MONDO:0014247, OMIM 615552.

Allele frequency attached by ClinVar (database versions not stated): TOPMed below 0.00001.
gnomAD v4.1: 1 of 1,613,988 alleles (0.000062%); no homozygotes.

Submissions (2):

Mayo Clinic Laboratories, Mayo Clinic
Classification: Uncertain significance. Last evaluated: 2025-10-14. Review status: criteria provided, single submitter. Criteria: ACMG Guidelines, 2015. Collection method: clinical testing. Allele origin: germline. Observed: 1 variant allele.

Labcorp Genetics (formerly Invitae), Labcorp
Classification: Uncertain significance for Familial episodic pain syndrome with predominantly lower limb involvement; Hereditary sensory and autonomic neuropathy type 7. Last evaluated: 2018-07-16. Review status: criteria provided, single submitter. Criteria: Invitae Variant Classification Sherloc (09022015). Collection method: clinical testing. Allele origin: germline.
Comment: In summary, the available evidence is currently insufficient to determine the role of this variant in disease. Therefore, it has been classified as a Variant of Uncertain Significance. This sequence change replaces lysine with asparagine at codon 534 of the SCN11A protein (p.Lys534Asn). The lysine residue is weakly conserved and there is a moderate physicochemical difference between lysine and asparagine. This variant is not present in population databases (ExAC no frequency). This variant has not been reported in the literature in individuals with SCN11A-related disease. Algorithms developed to predict the effect of missense changes on protein structure and function (SIFT, PolyPhen-2, Align-GVGD) all suggest that this variant is likely to be tolerated, but these predictions have not been confirmed by published functional studies and their clinical significance is uncertain.

NM_001349253.2(SCN11A):c.1602G>T (p.Lys534Asn)

Gene: SCN11A (sodium voltage-gated channel alpha subunit 11; minus strand). Cytogenetic location: 3p22.2.
Variant type: single nucleotide variant.
Coding change: c.1602G>T on transcript NM_001349253.2 (MANE Select); coding-DNA position 1602, G replaced by T.
Protein change: p.Lys534Asn; replaces lysine 534 with asparagine.
Molecular consequence: missense variant.
Genome position (GRCh38, 1-based): chr3:38,905,193, C>A on the plus strand (G>T on the coding strand, the complement: SCN11A is on the minus strand). VCF-style: chr3-38905193-C-A. GRCh37 (hg19) VCF-style: chr3-38946684-C-A.
Other names: p.Lys534Asn; c.1602G>T, p.Lys534Asn (NM_014139.3); short protein forms K534N.
Identifiers: ClinVar variation 657746 (VCV000657746.6), dbSNP rs1575273371, ClinGen allele CA352166132.